The following is an entry in ClinVar:

NM_000138.5(FBN1):c.5292C>T (p.Pro1764=)

Gene: FBN1 (fibrillin 1; minus strand). Cytogenetic location: 15q21.1.
Variant type: single nucleotide variant.
Coding change: c.5292C>T on transcript NM_000138.5 (MANE Select); coding-DNA position 5292, C replaced by T.
Protein change: p.Pro1764=; no amino-acid change (proline 1764 retained).
Molecular consequence: synonymous variant.
Genome position (GRCh38, 1-based): chr15:48,460,250, G>A on the plus strand (C>T on the coding strand, the complement: FBN1 is on the minus strand). VCF-style: chr15-48460250-G-A. GRCh37 (hg19) VCF-style: chr15-48752447-G-A.
Identifiers: ClinVar variation 413895 (VCV000413895.42), dbSNP rs111756438, ClinGen allele CA054590.

ClinVar aggregate classification (germline): Likely benign. Review status: criteria provided, multiple submitters, no conflicts (2 of 4 stars). 7 submissions from 7 submitters: Likely benign (7). Last evaluated 2026-01-11.

Conditions:
Marfan syndrome (MFS). Also called: FBN1-Related Marfan Syndrome; MARFAN SYNDROME, TYPE I; Marfan syndrome, classic; Marfan syndrome type 1; Marfan's syndrome. Identifiers: Orphanet 284963, Orphanet 558, MedGen C0024796, MONDO:0007947, OMIM 154700.
Familial thoracic aortic aneurysm and aortic dissection (TAAD). Also called: Thoracic aortic aneurysms and dissections. Identifiers: Orphanet 91387, MedGen C4707243, MONDO:0019625.

Allele frequency attached by ClinVar (database versions not stated): gnomAD 0.00001; gnomAD exomes 0.00001 and 0.00002; ExAC 0.00003; TOPMed 0.00003.
gnomAD v4.1: 32 of 1,612,684 alleles (0.002%); highest among the groups gnomAD compares: African/African-American, 0.0053%; no homozygotes.

Submissions (7):

Labcorp Genetics (formerly Invitae), Labcorp
Classification: Likely benign for Marfan syndrome; Familial thoracic aortic aneurysm and aortic dissection. Last evaluated: 2026-01-11. Review status: criteria provided, single submitter. Criteria: Invitae Variant Classification Sherloc (09022015). Collection method: clinical testing. Allele origin: germline.

CeGaT Center for Human Genetics Tuebingen
Classification: Likely benign. Last evaluated: 2024-05-01. Review status: criteria provided, single submitter. Criteria: CeGaT Center For Human Genetics Tuebingen Variant Classification Criteria Version 2. Collection method: clinical testing. Allele origin: germline. Affected: yes. Observed: 1 variant allele.
Comment: FBN1: BP4, BP7

Blueprint Genetics
Classification: Likely benign. Last evaluated: 2023-10-06. Review status: criteria provided, single submitter. Criteria: ACMG Guidelines, 2015. Collection method: clinical testing. Allele origin: germline.

Ambry Genetics
Classification: Likely benign for Familial thoracic aortic aneurysm and aortic dissection. Last evaluated: 2019-06-14. Review status: criteria provided, single submitter. Criteria: Ambry Variant Classification Scheme 2023. Collection method: clinical testing. Allele origin: germline.

Color Diagnostics, LLC DBA Color Health
Classification: Likely benign for Familial thoracic aortic aneurysm and aortic dissection. Last evaluated: 2018-11-21. Review status: criteria provided, single submitter. Criteria: ACMG Guidelines, 2015. Collection method: clinical testing. Allele origin: germline.

GeneDx
Classification: Likely benign. Last evaluated: 2018-07-16. Review status: criteria provided, single submitter. Criteria: GeneDx Variant Classification Process June 2021. Collection method: clinical testing. Allele origin: germline. Affected: yes.

CHEO Genetics Diagnostic Laboratory, Children's Hospital of Eastern Ontario
Classification: Likely benign for Familial thoracic aortic aneurysm and aortic dissection. Last evaluated: 2016-07-21. Review status: criteria provided, single submitter. Criteria: ACMG Guidelines, 2015. Collection method: clinical testing. Allele origin: germline. Study: Canadian Open Genetics Repository.